The following is an entry in ClinVar:

ClinVar aggregate classification (germline): Uncertain significance (1 of 4 stars; one submission).

Conditions:
Ellis-van Creveld syndrome (EVC). Also called: EVC-Related Ellis-van Creveld Syndrome; EVC2-Related Ellis-van Creveld Syndrome; Chondroectodermal dysplasia; MESOECTODERMAL DYSPLASIA. Identifiers: Orphanet 289, MedGen C0013903, MONDO:0009162, OMIM 225500.
Curry-Hall syndrome (WAD). Also called: WEYERS ACRODENTAL DYSOSTOSIS. Identifiers: Orphanet 952, MedGen C0457013, MONDO:0008673, OMIM 193530.

Allele frequency attached by ClinVar (database versions not stated): gnomAD exomes below 0.00001 and 0.00002; ExAC 0.00001; TOPMed 0.00001.
gnomAD v4.1: 7 of 1,614,182 alleles (0.00043%); highest among the groups gnomAD compares: Admixed American, 0.005%; no homozygotes.

Submission:

Labcorp Genetics (formerly Invitae), Labcorp
Classification: Uncertain significance for Curry-Hall syndrome; Ellis-van Creveld syndrome. Last evaluated: 2024-07-18. Review status: criteria provided, single submitter. Criteria: Invitae Variant Classification Sherloc (09022015). Collection method: clinical testing. Allele origin: germline.
Comment: This sequence change replaces methionine, which is neutral and non-polar, with isoleucine, which is neutral and non-polar, at codon 364 of the EVC2 protein (p.Met364Ile). This variant is present in population databases (rs769447796, gnomAD 0.009%). This variant has not been reported in the literature in individuals affected with EVC2-related conditions. ClinVar contains an entry for this variant (Variation ID: 1063480). An algorithm developed to predict the effect of missense changes on protein structure and function outputs the following: PolyPhen-2: "Benign". The isoleucine amino acid residue is found in multiple mammalian species, which suggests that this missense change does not adversely affect protein function. In summary, the available evidence is currently insufficient to determine the role of this variant in disease. Therefore, it has been classified as a Variant of Uncertain Significance.

NM_147127.5(EVC2):c.1092G>A (p.Met364Ile)

Gene: EVC2 (EvC ciliary complex subunit 2; minus strand). Cytogenetic location: 4p16.2.
Variant type: single nucleotide variant.
Coding change: c.1092G>A on transcript NM_147127.5 (MANE Select); coding-DNA position 1092, G replaced by A.
Protein change: p.Met364Ile; replaces methionine 364 with isoleucine.
Molecular consequence: missense variant.
Genome position (GRCh38, 1-based): chr4:5,663,160, C>T on the plus strand (G>A on the coding strand, the complement: EVC2 is on the minus strand). VCF-style: chr4-5663160-C-T. GRCh37 (hg19) VCF-style: chr4-5664887-C-T.
Other names: c.852G>A, p.Met284Ile (NM_001166136.2); short protein forms M284I, M364I.
Identifiers: ClinVar variation 1063480 (VCV001063480.9), dbSNP rs769447796, ClinGen allele CA2835156.